The following is an entry in ClinVar:

ClinVar aggregate classification (germline): Pathogenic (1 of 4 stars; one submission).

Submission:

Labcorp Genetics (formerly Invitae), Labcorp
Classification: Pathogenic. Last evaluated: 2022-09-22. Review status: criteria provided, single submitter. Criteria: Invitae Variant Classification Sherloc (09022015). Collection method: clinical testing. Allele origin: germline.
Comment: For these reasons, this variant has been classified as Pathogenic. Algorithms developed to predict the effect of sequence changes on RNA splicing suggest that this variant may disrupt the consensus splice site. Disruption of this splice site has been observed in individual(s) with hypophosphatemia (PMID: 24836714). It has also been observed to segregate with disease in related individuals. This variant is not present in population databases (gnomAD no frequency). This sequence change affects a splice site in intron 15 of the PHEX gene. It is expected to disrupt RNA splicing. Variants that disrupt the donor or acceptor splice site typically lead to a loss of protein function (PMID: 16199547), and loss-of-function variants in PHEX are known to be pathogenic (PMID: 9097956, 9106524, 19219621).

Literature cited by the submitters: PubMed 24836714; PubMed 16199547; PubMed 9097956; PubMed 9106524; PubMed 19219621.

NM_000444.6(PHEX):c.1646-2del

Genes: PHEX (phosphate regulating endopeptidase X-linked; plus strand), PTCHD1-AS (PTCHD1 and PHEX antisense RNA; minus strand). Cytogenetic location: Xp22.11.
Variant type: Deletion.
Coding change: c.1646-2del on transcript NM_000444.6 (MANE Select); the canonical splice acceptor site of the intron before coding-DNA position 1646, one base deleted (A; older notation c.1646-2delA).
Molecular consequence: splice acceptor variant.
Genome position (GRCh38, 1-based): chrX:22,212,902, A deleted. VCF-style (leftmost placement, unchanged base first): chrX-22212901-TA-T. GRCh37 (hg19) VCF-style: chrX-22231018-TA-T.
Other names: c.1646-2del (NM_001282754.2).
Identifiers: ClinVar variation 2031895 (VCV002031895.4), dbSNP rs2518652847, ClinGen allele CA2580100467.